The following is an entry in ClinVar:

NM_000836.4(GRIN2D):c.194_217dup (p.Glu65_Ala72dup)

Genes: GRIN2D (glutamate ionotropic receptor NMDA type subunit 2D; plus strand), LOC130064855 (ATAC-STARR-seq lymphoblastoid silent region 10879; plus strand). Cytogenetic location: 19q13.33.
Variant type: Duplication.
Coding change: c.194_217dup on transcript NM_000836.4 (MANE Select); coding-DNA positions 194 to 217, 24 bases duplicated (AGGCGGCACGCCTGGGCCCGGCCG).
Protein change: p.Glu65_Ala72dup.
Molecular consequence: inframe insertion.
Genome position (GRCh38, 1-based): chr19:48,398,586-48,398,609, AGGCGGCACGCCTGGGCCCGGCCG duplicated; duplicating any 24 consecutive bases within chr19:48,398,580-48,398,609 gives the same sequence; the c. name uses the placement nearest the transcript's 3' end. VCF-style (leftmost placement, unchanged base first): chr19-48398579-G-GCGGCCGAGGCGGCACGCCTGGGCC. GRCh37 (hg19) VCF-style: chr19-48901836-G-GCGGCCGAGGCGGCACGCCTGGGCC.
Identifiers: ClinVar variation 1398783 (VCV001398783.9), dbSNP rs2147434341, ClinGen allele CA2573156591.

ClinVar aggregate classification (germline): Conflicting classifications of pathogenicity. Review status: criteria provided, conflicting classifications (1 of 4 stars). 2 submissions from 2 submitters: Uncertain significance (1); Likely benign (1). Last evaluated 2025-02-16.

Submissions (2):

Laboratory of Genetics, Children's Clinical University Hospital Latvia
Classification: Likely benign. Last evaluated: 2025-02-16. Review status: criteria provided, single submitter. Criteria: ACMG Guidelines, 2015. Collection method: clinical testing. Allele origin: germline. Affected: yes.

Labcorp Genetics (formerly Invitae), Labcorp
Classification: Uncertain significance. Last evaluated: 2021-06-01. Review status: criteria provided, single submitter. Criteria: Invitae Variant Classification Sherloc (09022015). Collection method: clinical testing. Allele origin: germline.
Comment: This variant, c.194_217dup, results in the insertion of 8 amino acid(s) to the GRIN2D protein (p.Glu65_Ala72dup), but otherwise preserves the integrity of the reading frame. The frequency data for this variant in the population databases is considered unreliable, as metrics indicate insufficient coverage at this position in the ExAC database. This variant has not been reported in the literature in individuals with GRIN2D-related conditions. Experimental studies and prediction algorithms are not available or were not evaluated, and the functional significance of this variant is currently unknown. In summary, the available evidence is currently insufficient to determine the role of this variant in disease. Therefore, it has been classified as a Variant of Uncertain Significance.